The following is an entry in ClinVar:

ClinVar aggregate classification (germline): Uncertain significance. Review status: criteria provided, multiple submitters, no conflicts (2 of 4 stars). 5 submissions from 5 submitters: Uncertain significance (4). 1 of the submissions does not count toward it. Last evaluated 2025-06-23.

Conditions:
Retinitis pigmentosa 25 (RP25). Identifiers: Orphanet 791, MedGen C1864446, MONDO:0011272, OMIM 602772.
Inborn genetic diseases. Identifiers: MedGen C0950123, MeSH D030342.
Retinal dystrophy. Also called: Inherited retinal dystrophy. Identifiers: Orphanet 71862, MedGen C0854723, MeSH D058499, MONDO:0019118, HP:0000556.

Allele frequency attached by ClinVar (database versions not stated): gnomAD exomes below 0.00001; TOPMed below 0.00001.
gnomAD v4.1: 10 of 1,614,084 alleles (0.00062%); highest among the groups gnomAD compares: Middle Eastern, 0.049%; no homozygotes.

Submissions (5):

Ambry Genetics
Classification: Uncertain significance for Inborn genetic diseases. Last evaluated: 2025-06-23. Review status: criteria provided, single submitter. Criteria: Ambry Variant Classification Scheme 2023. Collection method: clinical testing. Allele origin: germline.

Labcorp Genetics (formerly Invitae), Labcorp
Classification: Uncertain significance. Last evaluated: 2023-08-04. Review status: criteria provided, single submitter. Criteria: Invitae Variant Classification Sherloc (09022015). Collection method: clinical testing. Allele origin: germline.
Comment: This variant is not present in population databases (gnomAD no frequency). This sequence change replaces histidine, which is basic and polar, with arginine, which is basic and polar, at codon 201 of the EYS protein (p.His201Arg). This variant has not been reported in the literature in individuals affected with EYS-related conditions. ClinVar contains an entry for this variant (Variation ID: 624255). Algorithms developed to predict the effect of missense changes on protein structure and function output the following: SIFT: "Not Available"; PolyPhen-2: "Possibly Damaging"; Align-GVGD: "Not Available". The arginine amino acid residue is found in multiple mammalian species, which suggests that this missense change does not adversely affect protein function. In summary, the available evidence is currently insufficient to determine the role of this variant in disease. Therefore, it has been classified as a Variant of Uncertain Significance.

Genome-Nilou Lab
Classification: Uncertain significance for Retinitis pigmentosa 25. Last evaluated: 2021-07-14. Review status: criteria provided, single submitter. Criteria: ACMG Guidelines, 2015. Collection method: clinical testing. Allele origin: germline. Affected: no.

CeGaT Center for Human Genetics Tuebingen
Classification: Uncertain significance. Last evaluated: 2018-06-01. Review status: criteria provided, single submitter. Criteria: CeGaT Center For Human Genetics Tuebingen Variant Classification Criteria Version 2. Collection method: clinical testing. Allele origin: germline. Affected: yes. Observed: 1 variant allele.

Institute of Human Genetics, Univ. Regensburg, Univ. Regensburg
Classification: Uncertain significance for Retinal dystrophy. Last evaluated: 2022-01-01. Review status: no assertion criteria provided. Criteria: ACMG Guidelines, 2015. Collection method: clinical testing. Allele origin: germline. Affected: yes. Not counted in ClinVar's aggregate classification.

NM_001142800.2(EYS):c.602A>G (p.His201Arg)

Gene: EYS (EGF-like photoreceptor maintenance factor; minus strand). Cytogenetic location: 6q12.
Variant type: single nucleotide variant.
Coding change: c.602A>G on transcript NM_001142800.2 (MANE Select); coding-DNA position 602, A replaced by G.
Protein change: p.His201Arg; replaces histidine 201 with arginine.
Molecular consequence: missense variant.
Genome position (GRCh38, 1-based): chr6:65,494,809, T>C on the plus strand (A>G on the coding strand, the complement: EYS is on the minus strand). VCF-style: chr6-65494809-T-C. GRCh37 (hg19) VCF-style: chr6-66204702-T-C.
Other names: c.602A>G (NM_001142800.1); c.602A>G, p.His201Arg (NM_001142801.2, NM_001292009.2, NM_198283.2); short protein forms H201R.
Identifiers: ClinVar variation 624255 (VCV000624255.49), dbSNP rs1011260787, ClinGen allele CA140434956.